The following is an entry in ClinVar:

ClinVar aggregate classification (germline): Uncertain significance (1 of 4 stars; one submission).

Conditions:
Hereditary cancer-predisposing syndrome. Also called: Neoplastic Syndromes, Hereditary; Tumor predisposition; Hereditary neoplastic syndrome; Hereditary Cancer Syndrome. Identifiers: Orphanet 140162, MedGen C0027672, MeSH D009386, MONDO:0015356.

Submission:

Ambry Genetics
Classification: Uncertain significance for Hereditary cancer-predisposing syndrome. Last evaluated: 2026-07-07. Review status: criteria provided, single submitter. Criteria: Ambry Variant Classification Scheme 2023. Collection method: clinical testing. Allele origin: germline.
Comment: The p.P750T variant (also known as c.2248C>A), located in coding exon 9 of the AXIN2 gene, results from a C to A substitution at nucleotide position 2248. The proline at codon 750 is replaced by threonine, an amino acid with highly similar properties. This amino acid position is conserved. In addition, this alteration is predicted to be tolerated by in silico analysis. Based on the available evidence, the clinical significance of this variant remains unclear.

NM_004655.4(AXIN2):c.2248C>A (p.Pro750Thr)

Gene: AXIN2 (axin 2; minus strand). Cytogenetic location: 17q24.1.
Variant type: single nucleotide variant.
Coding change: c.2248C>A on transcript NM_004655.4 (MANE Select); coding-DNA position 2248, C replaced by A.
Protein change: p.Pro750Thr; replaces proline 750 with threonine.
Molecular consequence: missense variant.
Genome position (GRCh38, 1-based): chr17:65,534,069, G>T on the plus strand (C>A on the coding strand, the complement: AXIN2 is on the minus strand). VCF-style: chr17-65534069-G-T. GRCh37 (hg19) VCF-style: chr17-63530187-G-T.
Other names: c.2053C>A, p.Pro685Thr (NM_001363813.1); short protein forms P685T, P750T.
Identifiers: ClinVar variation 5032651 (VCV005032651.1).
Genomic context (GRCh38, chr17:65,534,069, plus strand): 5'-AAAAGTAAGTGACAACCAACTCACTGGCCTGGAGCGCGTGGACACCTGCCAGTTTCTTTG[G>T]CTCTTTGTGACTGAAAATAAGATGGAATGGAACAAGTTTAGCATTTTAAAGCAGACACAC-3'
Protein context (NP_004646.3, residues 740-760): PSLAPEDHKE[Pro750Thr]KKLAGVHALQ